The following is an entry in ClinVar:

ClinVar aggregate classification (germline): Conflicting classifications of pathogenicity. Review status: criteria provided, conflicting classifications (1 of 4 stars). 3 submissions from 3 submitters: Likely pathogenic (1); Uncertain significance (2). Last evaluated 2025-07-25.

Conditions:
Charcot-Marie-Tooth Neuropathy X. Identifiers: MedGen CN118851.

Submissions (3):

Women's Health and Genetics/Laboratory Corporation of America, LabCorp
Classification: Uncertain significance. Last evaluated: 2025-07-25. Review status: criteria provided, single submitter. Criteria: LabCorp Variant Classification Summary - May 2015. Collection method: clinical testing. Allele origin: germline.
Comment: Variant summary: GJB1 c.572_580delCCGTCTTCA (p.Thr191_Phe193del) results in an in-frame deletion that is predicted to remove three amino acids from the encoded protein. The variant was absent in 180670 control chromosomes (gnomAD). c.572_580delCCGTCTTCA has been observed in individuals affected with Charcot-Marie-Tooth disease X-linked dominant 1 (e.g., Bone_1997, Panosyan_2017, Record_2023). These data indicate that the variant may be associated with disease. To our knowledge, no experimental evidence demonstrating an impact on protein function has been reported. The following publications have been ascertained in the context of this evaluation (PMID: 9361298, 9888385, 28768847, 37284795, 17052905, 18379723). ClinVar contains an entry for this variant (Variation ID: 406229). Based on the evidence outlined above, the variant was classified as VUS-possibly pathogenic.

Athena Diagnostics
Classification: Uncertain significance. Last evaluated: 2022-06-17. Review status: criteria provided, single submitter. Criteria: Athena Diagnostics Criteria. Collection method: clinical testing. Allele origin: unknown.

Labcorp Genetics (formerly Invitae), Labcorp
Classification: Likely pathogenic for Charcot-Marie-Tooth Neuropathy X. Last evaluated: 2016-11-26. Review status: criteria provided, single submitter. Criteria: Invitae Variant Classification Sherloc (09022015). Collection method: clinical testing. Allele origin: germline.
Comment: This sequence change deletes 9 nucleotides from exon 2 of the GJB1 mRNA (c.572_580delCCGTCTTCA). This leads to the deletion of 3 amino acid residues in the GJB1 protein (p.Thr191_Phe193del) but otherwise preserves the integrity of the reading frame. This variant is not present in population databases (ExAC no frequency). This variant has been reported in two individuals affected with Charcot-Marie-Tooth disease (PMID: 9361298, 18379723). This variant is also known as c.573_581delCGTCTTCAT (p.Val192Met194del) in the literature. Experimental studies and prediction algorithms are not available for this variant, and the functional significance of the deleted amino acids is currently unknown. This variant is located in a region of the GJB1 protein where a significant number of previously reported GJB1 missense mutations, deletions, and insertions are found (PMID: 11257785, 19691535, 15574129, 17052905, 9818870, 9361298, 10737979). These observations suggest that alterations within this region may affect protein function, but experiments have not been done to test this possibility. In summary, this variant is a rare deletion that has been observed in affected individuals and overlaps with previously reported Charcot-Marie-Tooth disease variants. This evidence indicates that the variant is pathogenic, but additional data is needed to prove that conclusively. Therefore, this variant has been classified as Likely Pathogenic.

Literature cited by the submitters: PubMed 9361298 (cited by Women's Health and Genetics/Laboratory Corporation of America, LabCorp); PubMed 18379723 (cited by Women's Health and Genetics/Laboratory Corporation of America, LabCorp and Athena Diagnostics); PubMed 9888385 (cited by Women's Health and Genetics/Laboratory Corporation of America, LabCorp); PubMed 28768847 (cited by Women's Health and Genetics/Laboratory Corporation of America, LabCorp); PubMed 37284795 (cited by Women's Health and Genetics/Laboratory Corporation of America, LabCorp); PubMed 17052905 (cited by Women's Health and Genetics/Laboratory Corporation of America, LabCorp).

NM_000166.6(GJB1):c.563CCGTCTTCA[1] (p.188TVF[1])

Gene: GJB1 (gap junction protein beta 1; plus strand). Cytogenetic location: Xq13.1.
Variant type: Microsatellite.
Coding change: c.563CCGTCTTCA[1] on transcript NM_000166.6 (MANE Select); one copy of the 9-base unit CCGTCTTCA starting at c.563; the reference has two copies in a row; one copy, 9 bases deleted.
Protein change: p.188TVF[1].
Molecular consequence: inframe deletion.
Genome position (GRCh38, 1-based): chrX:71,224,279-71,224,287, CCGTCTTCA deleted; deleting any 9 consecutive bases within chrX:71,224,269-71,224,287 gives the same sequence; the position shown is the placement nearest the transcript's 3' end. VCF-style (leftmost placement, unchanged base first): chrX-71224268-AACCGTCTTC-A. GRCh37 (hg19) VCF-style: chrX-70444118-AACCGTCTTC-A.
Other names: c.572_580delCCGTCTTCA (NM_000166.5, NM_000166.6); c.563CCGTCTTCA[1], p.188TVF[1] (NM_001097642.3).
Identifiers: ClinVar variation 406229 (VCV000406229.4), dbSNP rs116840823, ClinGen allele CA16616547.